The following is an entry in ClinVar:

ClinVar aggregate classification (germline): Uncertain significance (1 of 4 stars; one submission).

gnomAD v4.1: 2 of 1,494,534 alleles (0.00013%); highest among the groups gnomAD compares: East Asian, 0.0056%; no homozygotes.

Submission:

GeneDx
Classification: Uncertain significance. Last evaluated: 2026-01-22. Review status: criteria provided, single submitter. Criteria: GeneDx Variant Classification Process June 2021. Collection method: clinical testing. Allele origin: germline.
Comment: In silico analysis suggests that this missense variant does not alter protein structure/function; Has not been previously published as pathogenic or benign to our knowledge

NM_000540.3(RYR1):c.13210G>A (p.Asp4404Asn)

Gene: RYR1 (ryanodine receptor 1; plus strand). Cytogenetic location: 19q13.2.
Variant type: single nucleotide variant.
Coding change: c.13210G>A on transcript NM_000540.3 (MANE Select); coding-DNA position 13210, G replaced by A.
Protein change: p.Asp4404Asn; replaces aspartic acid 4404 with asparagine.
Molecular consequence: missense variant.
Genome position (GRCh38, 1-based): chr19:38,565,544, G>A. VCF-style: chr19-38565544-G-A. GRCh37 (hg19) VCF-style: chr19-39056184-G-A.
Other names: c.13195G>A, p.Asp4399Asn (NM_001042723.2); short protein forms D4399N, D4404N.
Identifiers: ClinVar variation 4975509 (VCV004975509.1).